The following is an entry in ClinVar:

ClinVar aggregate classification (germline): Uncertain significance (1 of 4 stars; one submission).

Conditions:
Coffin-Siris syndrome 1 (CSS1). Also called: Mental retardation, autosomal dominant 12; ARID1B-Related Coffin-Siris Syndrome. Identifiers: Orphanet 1465, MedGen C3281201, MONDO:0007617, OMIM 135900. Disease mechanism: gain of function.

gnomAD v4.1: 4 of 1,613,966 alleles (0.00025%); highest among the groups gnomAD compares: South Asian, 0.0033%; no homozygotes.

Submission:

Neuberg Centre For Genomic Medicine, NCGM
Classification: Uncertain significance for Coffin-Siris syndrome 1. Last evaluated: 2023-06-22. Review status: criteria provided, single submitter. Criteria: ACMG Guidelines, 2015. Collection method: clinical testing. Allele origin: germline. Inheritance: Autosomal dominant inheritance. Affected: yes.
Comment: The missense c.1822A>G (p.Ile608Val) variant in the ARID2 gene has not been reported previously as a pathogenic variant nor as a benign variant, to our knowledge. This variant is reported with the allele frequency (0.0003%) in the gnomAD Exomes. The amino acid Isoleucine at position 608 is changed to a Valine changing protein sequence and it might alter its composition and physico-chemical properties. Computational evidence (Polyphen - Benign, SIFT - Tolerated and MutationTaster - Disease causing) predicts conflicting evidence on protein structure and function for this variant. The amino acid Ile608 in ARID2 is predicted as conserved by GERP++ and PhyloP across 100 vertebrates. For these reasons, this variant has been classified as Uncertain Significance.

NM_152641.4(ARID2):c.1822A>G (p.Ile608Val)

Gene: ARID2 (AT-rich interaction domain 2; plus strand). Cytogenetic location: 12q12.
Variant type: single nucleotide variant.
Coding change: c.1822A>G on transcript NM_152641.4 (MANE Select); coding-DNA position 1822, A replaced by G.
Protein change: p.Ile608Val; replaces isoleucine 608 with valine.
Molecular consequence: missense variant.
Genome position (GRCh38, 1-based): chr12:45,849,686, A>G. VCF-style: chr12-45849686-A-G. GRCh37 (hg19) VCF-style: chr12-46243469-A-G.
Other names: c.1822A>G, p.Ile608Val (NM_001347839.2); short protein forms I608V.
Identifiers: ClinVar variation 3731487 (VCV003731487.1).